The following is an entry in ClinVar:

NM_144670.6(A2ML1):c.3577G>C (p.Asp1193His)

Gene: A2ML1 (alpha-2-macroglobulin like 1; plus strand). Cytogenetic location: 12p13.31.
Variant type: single nucleotide variant.
Coding change: c.3577G>C on transcript NM_144670.6 (MANE Select); coding-DNA position 3577, G replaced by C.
Protein change: p.Asp1193His; replaces aspartic acid 1193 with histidine.
Molecular consequence: missense variant.
Genome position (GRCh38, 1-based): chr12:8,863,868, G>C. VCF-style: chr12-8863868-G-C. GRCh37 (hg19) VCF-style: chr12-9016464-G-C.
Other names: c.2104G>C, p.Asp702His (NM_001282424.3); short protein forms D702H, D1193H.
Identifiers: ClinVar variation 2497284 (VCV002497284.6), dbSNP rs775194819, ClinGen allele CA6436428.

ClinVar aggregate classification (germline): Uncertain significance. Review status: criteria provided, multiple submitters, no conflicts (2 of 4 stars). 2 submissions from 2 submitters: Uncertain significance (2). Last evaluated 2025-12-10.

Allele frequency attached by ClinVar (database versions not stated): gnomAD exomes 0.00001; TOPMed 0.00003; 1000 Genomes Project 30x 0.00047; ExAC 0.00002; gnomAD 0.00004; 1000 Genomes Project 0.00040.
gnomAD v4.1: 18 of 1,614,232 alleles (0.0011%); highest among the groups gnomAD compares: African/African-American, 0.021%; no homozygotes.

Submissions (2):

Ambry Genetics
Classification: Uncertain significance. Last evaluated: 2025-12-10. Review status: criteria provided, single submitter. Criteria: Ambry Variant Classification Scheme 2023. Collection method: clinical testing. Allele origin: germline.
Comment: The p.D1193H variant (also known as c.3577G>C), located in coding exon 29 of the A2ML1 gene, results from a G to C substitution at nucleotide position 3577. The aspartic acid at codon 1193 is replaced by histidine, an amino acid with similar properties. This amino acid position is conserved. In addition, this alteration is predicted to be tolerated by in silico analysis. Since supporting evidence is limited at this time, the clinical significance of this alteration remains unclear.

Labcorp Genetics (formerly Invitae), Labcorp
Classification: Uncertain significance. Last evaluated: 2025-06-18. Review status: criteria provided, single submitter. Criteria: Invitae Variant Classification Sherloc (09022015). Collection method: clinical testing. Allele origin: germline.
Comment: This sequence change replaces aspartic acid, which is acidic and polar, with histidine, which is basic and polar, at codon 1193 of the A2ML1 protein (p.Asp1193His). This variant is present in population databases (rs775194819, gnomAD 0.03%). This variant has not been reported in the literature in individuals affected with A2ML1-related conditions. ClinVar contains an entry for this variant (Variation ID: 2497284). An algorithm developed to predict the effect of missense changes on protein structure and function (PolyPhen-2) suggests that this variant is likely to be disruptive. In summary, the available evidence is currently insufficient to determine the role of this variant in disease. Therefore, it has been classified as a Variant of Uncertain Significance.